The following is an entry in ClinVar:

NM_001080467.3(MYO5B):c.4833C>T (p.Gly1611=)

Genes: MYO5B (myosin VB; minus strand), SNHG22 (small nucleolar RNA host gene 22; plus strand). Cytogenetic location: 18q21.1.
Variant type: single nucleotide variant.
Coding change: c.4833C>T on transcript NM_001080467.3 (MANE Select); coding-DNA position 4833, C replaced by T.
Protein change: p.Gly1611=; no amino-acid change (glycine 1611 retained).
Molecular consequence: synonymous variant.
Genome position (GRCh38, 1-based): chr18:49,839,163, G>A on the plus strand (C>T on the coding strand, the complement: MYO5B is on the minus strand). VCF-style: chr18-49839163-G-A. GRCh37 (hg19) VCF-style: chr18-47365533-G-A.
Other names: c.4833C>T (NM_001080467.2).
Identifiers: ClinVar variation 1532462 (VCV001532462.9), dbSNP rs376462138, ClinGen allele CA8960217.

ClinVar aggregate classification (germline): Likely benign. Review status: criteria provided, multiple submitters, no conflicts (2 of 4 stars). 2 submissions from 2 submitters: Likely benign (2). Last evaluated 2025-12-29.

Conditions:
MYO5B-related disorder. Also called: MYO5B-related condition.

Allele frequency attached by ClinVar (database versions not stated): gnomAD exomes 0.00006; ExAC 0.00009; gnomAD 0.00023 and 0.00025; TOPMed 0.00023; ESP Exome Variant Server 0.00032; 1000 Genomes Project 0.00040; 1000 Genomes Project 30x 0.00047.
gnomAD v4.1: 75 of 1,613,734 alleles (0.0046%); highest among the groups gnomAD compares: African/African-American, 0.083%; no homozygotes.

Submissions (2):

Labcorp Genetics (formerly Invitae), Labcorp
Classification: Likely benign. Last evaluated: 2025-12-29. Review status: criteria provided, single submitter. Criteria: Invitae Variant Classification Sherloc (09022015). Collection method: clinical testing. Allele origin: germline.

PreventionGenetics, part of Exact Sciences
Classification: Likely benign for MYO5B-related condition. Last evaluated: 2025-10-31. Review status: criteria provided, single submitter. Criteria: ACMG Guidelines, 2015. Collection method: clinical testing. Allele origin: germline.
Comment: This variant is classified as likely benign based on ACMG/AMP sequence variant interpretation guidelines (Richards et al. 2015 PMID: 25741868, with internal and published modifications).